The following is an entry in ClinVar:

NM_001042492.3(NF1):c.3721C>T (p.Arg1241Ter)

Gene: NF1 (neurofibromin 1; plus strand). Cytogenetic location: 17q11.2.
Variant type: single nucleotide variant.
Coding change: c.3721C>T on transcript NM_001042492.3 (MANE Select); coding-DNA position 3721, C replaced by T.
Protein change: p.Arg1241Ter; replaces arginine 1241 with a stop codon.
Molecular consequence: nonsense.
Genome position (GRCh38, 1-based): chr17:31,235,623, C>T. VCF-style: chr17-31235623-C-T. GRCh37 (hg19) VCF-style: chr17-29562641-C-T.
Other names: c.3721C>T, p.Arg1241Ter (NM_000267.4); short protein forms R1241*.
Identifiers: ClinVar variation 361 (VCV000000361.53), dbSNP rs137854562, ClinGen allele CA165261.

ClinVar aggregate classification (germline): Pathogenic. Review status: criteria provided, multiple submitters, no conflicts (2 of 4 stars). 30 submissions from 29 submitters: Pathogenic (24). 6 of the submissions do not count toward it. Last evaluated 2026-01-26.
ClinVar aggregate classification (oncogenicity): Likely oncogenic (1 of 4 stars; one submission).

Conditions:
NF1-related disorder. Also called: NF1-related condition. Identifiers: MedGen CN379171.
Inborn genetic diseases. Identifiers: MedGen C0950123, MeSH D030342.
Neurofibromatosis, type 1 (NF1). Also called: Neurofibromatosis, type I; NEUROFIBROMATOSIS, TYPE I, SOMATIC; VON RECKLINGHAUSEN DISEASE; Peripheral type neurofibromatosis. Identifiers: Orphanet 636, MedGen C0027831, MONDO:0018975, OMIM 162200. Disease mechanism: loss of function.
Juvenile myelomonocytic leukemia (JMML). Also called: LEUKEMIA, JUVENILE MYELOMONOCYTIC, SOMATIC. Identifiers: Orphanet 86834, MedGen C0349639, MONDO:0011908, OMIM 607785, HP:0012209.
Neoplasm. Also called: Neoplasms; Neoplasm (disease); tumor. Identifiers: MedGen C0027651, MeSH D009369, MONDO:0005070, HP:0002664.

Allele frequency attached by ClinVar (database versions not stated): TOPMed below 0.00001.
gnomAD v4.1: 1 of 1,614,056 alleles (0.000062%); highest among the groups gnomAD compares: South Asian, 0.0011%; no homozygotes.

Submissions 1 to 12 of 31:

Institute of Human Genetics, University of Leipzig Medical Center
Classification: Pathogenic for Neurofibromatosis, type 1. Last evaluated: 2026-01-26. Review status: criteria provided, single submitter. Criteria: ACMG Guidelines, 2015. Collection method: clinical testing. Allele origin: unknown. Affected: yes.
Comment: Criteria applied: PVS1,PS4,PM2_SUP

Medical and Scientific Branch, Hong Kong Genome Institute
Classification: Pathogenic for Neurofibromatosis, type 1. Last evaluated: 2026-01-26. Review status: criteria provided, single submitter. Criteria: ACMG Guidelines, 2015. Collection method: clinical testing. Allele origin: paternal. Affected: yes.

Labcorp Genetics (formerly Invitae), Labcorp
Classification: Pathogenic for Neurofibromatosis, type 1. Last evaluated: 2026-01-25. Review status: criteria provided, single submitter. Criteria: Invitae Variant Classification Sherloc (09022015). Collection method: clinical testing. Allele origin: germline.
Comment: This sequence change creates a premature translational stop signal (p.Arg1241*) in the NF1 gene. It is expected to result in an absent or disrupted protein product. Loss-of-function variants in NF1 are known to be pathogenic (PMID: 10712197, 23913538). This variant is not present in population databases (gnomAD no frequency). This premature translational stop signal has been observed in individual(s) with neurofibromatosis type 1 (PMID: 10712197, 12483293, 16835897, 23668869, 25624686). In at least one individual the variant was observed to be de novo. Invitae Evidence Modeling of clinical and family history, age, sex, and reported ancestry of multiple individuals with this NF1 variant has been performed. This variant is expected to be pathogenic with a positive predictive value of at least 99%. This is a validated machine learning model that incorporates the clinical features of 1,785,918 individuals referred to our laboratory for NF1 testing. ClinVar contains an entry for this variant (Variation ID: 361). For these reasons, this variant has been classified as Pathogenic.

Division of Genetic & Genomic Pathology, Hong Kong Children's Hospital
Classification: Pathogenic for Neurofibromatosis, type 1. Last evaluated: 2025-04-25. Review status: criteria provided, single submitter. Criteria: ACMG Guidelines, 2015. Collection method: clinical testing. Allele origin: germline. Affected: yes.
Comment: The nonsense variant c.3721C>T in the NF1 gene creates a premature stop codon in exon 28 (out of 57 exons), and is predicted to result in loss of protein function by nonsense-mediated mRNA decay. The variant is present at a very low frequency in control populations (absent in gnomAD v2.1.1; gnomAD v4.1.0: 1 in 1,614,056 alleles). The variant has been reported in multiple patients with neurofibromatosis type 1 (PMID:10712197, 12483293, 23668869, 25624686; ClinVar accession: VCV000000361.44). For these reasons, the variant is classified as pathogenic.

Center for Genomic Medicine, Rigshospitalet, Copenhagen University Hospital
Classification: Likely oncogenic for Neoplasm. Last evaluated: 2025-03-04. Review status: criteria provided, single submitter. Criteria: ClinGen/CGC/VICC Guidelines for Oncogenicity, 2022. Collection method: clinical testing. Allele origin: somatic. Affected: yes.

Molecular Pathology, Peter Maccallum Cancer Centre
Classification: Pathogenic for Neurofibromatosis, type 1. Last evaluated: 2024-11-21. Review status: criteria provided, single submitter. Criteria: ACMG Guidelines, 2015. Collection method: clinical testing. Allele origin: germline. Inheritance: Autosomal dominant inheritance.

NHS Central & South Genomic Laboratory Hub
Classification: Pathogenic for Neurofibromatosis type 1. Last evaluated: 2024-11-11. Review status: criteria provided, single submitter. Criteria: ACMG Guidelines, 2015. Collection method: clinical testing. Allele origin: germline. Affected: yes.

Women's Health and Genetics/Laboratory Corporation of America, LabCorp
Classification: Pathogenic for Neurofibromatosis, type 1. Last evaluated: 2024-09-04. Review status: criteria provided, single submitter. Criteria: LabCorp Variant Classification Summary - May 2015. Collection method: clinical testing. Allele origin: germline.
Comment: Variant summary: NF1 c.3721C>T (p.Arg1241X) results in a premature termination codon, predicted to cause a truncation of the encoded protein or absence of the protein due to nonsense mediated decay, which are commonly known mechanisms for disease. The variant was absent in 251406 control chromosomes. c.3721C>T has been reported arising de novo in at-least one individual affected with Neurofibromatosis Type 1 (example, Maddirevula_2018). To our knowledge, no experimental evidence demonstrating an impact on protein function has been reported. The following publications have been ascertained in the context of this evaluation (PMID: 27069254, 10678181, 23460398, 29872168, 29620724, NCCN 2019). ClinVar contains an entry for this variant (Variation ID: 361). Based on the evidence outlined above, the variant was classified as pathogenic.

Quest Diagnostics Nichols Institute San Juan Capistrano
Classification: Pathogenic. Last evaluated: 2024-08-21. Review status: criteria provided, single submitter. Criteria: Quest Diagnostics criteria. Collection method: clinical testing. Allele origin: unknown.
Comment: The NF1 c.3721C>T (p.Arg1241*) variant causes the premature termination of NF1 protein synthesis. This variant has been reported in the published literature in individuals with neurofibromatosis type 1 (PMID: 10712197 (2000), 12483293 (2003), 15060124 (2004), 17889038 (2008), 22108604 (2011), 23668869 (2013), 25624686 (2015), 30530636 (2019), 33919865 (2021), 33877690 (2021), 37073110 (2023)). This variant has not been reported in large, multi-ethnic general populations (Genome Aggregation Database). Based on the available information, this variant is classified as pathogenic.

Blueprint Genetics
Classification: Pathogenic for NF1-related disorders. Last evaluated: 2024-05-27. Review status: criteria provided, single submitter. Criteria: ACMG Guidelines, 2015. Collection method: clinical testing. Allele origin: germline. Affected: yes. Observed: 5 variant alleles.

ARUP Laboratories, Molecular Genetics and Genomics, ARUP Laboratories
Classification: Pathogenic. Last evaluated: 2023-12-26. Review status: criteria provided, single submitter. Criteria: ARUP Molecular Germline Variant Investigation Process 2024. Collection method: clinical testing. Allele origin: germline.
Comment: The NF1 c.3721C>T; p.Arg1241Ter variant (rs137854562) is reported in the literature in several individuals with NF1 (Fahsold 2000, Gupta 2015, Ko 2013, Lee 2006, Upadhyaya 2003). This variant is reported in ClinVar (Variation ID: 361), but absent from the Genome Aggregation Database (v2.1.1), indicating it is not a common polymorphism. This variant induces an early termination codon and is predicted to result in a truncated protein or mRNA subject to nonsense-mediated decay. Based on available information, this variant is considered to be pathogenic. References: Fahsold R et al. Minor lesion mutational spectrum of the entire NF1 gene does not explain its high mutability but points to a functional domain upstream of the GAP-related domain. Am J Hum Genet. 2000 Mar;66(3):790-818. PMID: 10712197. Gupta V et al. Rare case of optic pathway glioma with extensive intra-ocular involvement in a child with neurofibromatosis type 1. Middle East Afr J Ophthalmol. 2015 Jan-Mar;22(1):117-8. PMID: 25624686. Ko JM et al. Mutation spectrum of NF1 and clinical characteristics in 78 Korean patients with neurofibromatosis type 1. Pediatr Neurol. 2013 Jun;48(6):447-53. PMID: 23668869. Lee MJ et al. Identification of forty-five novel and twenty-three known NF1 mutations in Chinese patients with neurofibromatosis type 1. Hum Mutat. 2006 Aug;27(8):832. PMID: 16835897. Upadhyaya M et al. Three different pathological lesions in the NF1 gene originating de novo in a family with neurofibromatosis type 1. Hum Genet. 2003 Jan;112(1):12-7. PMID: 12483293.

Illumina Laboratory Services, Illumina
Classification: Pathogenic for Neurofibromatosis, type 1. Last evaluated: 2023-09-26. Review status: criteria provided, single submitter. Criteria: ICSLVariantClassificationCriteria RUGD 01 April 2020. Collection method: clinical testing. Allele origin: unknown.
Comment: The NF1 c.3721C>T p.(Arg1241Ter) nonsense variant results in the loss of normal protein function through either protein truncation or nonsense-mediated mRNA decay. This variant has been reported in the literature in individuals with a phenotype consistent with neurofibromatosis type 1, including in a de novo state in one individual (PMID: 10712197; 29620724; 31730495; 31730495; 34080803; 34427956). The p.(Arg1241Ter) variant is not observed in version 2.1.1 or version 3.1.2 of the Genome Aggregation Database. This variant has been shown to segregate with disease in this family and has been classified as pathogenic by multiple submitters in ClinVar. Based on the available evidence, the c.3721C>T p.(Arg1241Ter) variant is classified as pathogenic for neurofibromatosis, type 1.